The following is an entry in ClinVar:

ClinVar aggregate classification (germline): Uncertain significance. Review status: criteria provided, multiple submitters, no conflicts (2 of 4 stars). 2 submissions from 2 submitters: Uncertain significance (2). Last evaluated 2023-01-10.

Conditions:
Retinitis pigmentosa 78 (RP78). Identifiers: MedGen C4479481, MONDO:0044314, OMIM 617433.

Allele frequency attached by ClinVar (database versions not stated): TOPMed below 0.00001; ExAC 0.00001.
gnomAD v4.1: 2 of 1,610,890 alleles (0.00012%); highest among the groups gnomAD compares: Non-Finnish European, 0.000085%; no homozygotes.

Submissions (2):

Blueprint Genetics
Classification: Uncertain significance. Last evaluated: 2023-01-10. Review status: criteria provided, single submitter. Criteria: ACMG Guidelines, 2015. Collection method: clinical testing. Allele origin: germline.

Labcorp Genetics (formerly Invitae), Labcorp
Classification: Uncertain significance. Last evaluated: 2022-10-13. Review status: criteria provided, single submitter. Criteria: Invitae Variant Classification Sherloc (09022015). Collection method: clinical testing. Allele origin: germline.
Comment: This sequence change replaces aspartic acid, which is acidic and polar, with tyrosine, which is neutral and polar, at codon 148 of the ARHGEF18 protein (p.Asp148Tyr). The frequency data for this variant in the population databases is considered unreliable, as metrics indicate poor data quality at this position in the gnomAD database. This variant has not been reported in the literature in individuals affected with ARHGEF18-related conditions. ClinVar contains an entry for this variant (Variation ID: 964524). Algorithms developed to predict the effect of missense changes on protein structure and function are either unavailable or do not agree on the potential impact of this missense change (SIFT: "Deleterious"; PolyPhen-2: "Probably Damaging"; Align-GVGD: "Class C0"). In summary, the available evidence is currently insufficient to determine the role of this variant in disease. Therefore, it has been classified as a Variant of Uncertain Significance.

NM_001367823.1(ARHGEF18):c.1006G>T (p.Asp336Tyr)

Gene: ARHGEF18 (Rho/Rac guanine nucleotide exchange factor 18; plus strand). Cytogenetic location: 19p13.2.
Variant type: single nucleotide variant.
Coding change: c.1006G>T on transcript NM_001367823.1 (MANE Select); coding-DNA position 1006, G replaced by T.
Protein change: p.Asp336Tyr; replaces aspartic acid 336 with tyrosine.
Molecular consequence: missense variant. On other transcripts: 5 prime UTR variant (2).
Genome position (GRCh38, 1-based): chr19:7,440,382, G>T. VCF-style: chr19-7440382-G-T. GRCh37 (hg19) VCF-style: chr19-7505268-G-T.
Other names: c.280G>T, p.Asp94Tyr (NM_001130955.2); c.-33G>T (NM_001367824.1, NM_015318.4); short protein forms D336Y, D94Y.
Identifiers: ClinVar variation 964524 (VCV000964524.13), dbSNP rs201764417, ClinGen allele CA9136318.
Genomic context (GRCh38, chr19:7,440,382, plus strand): 5'-TCTGTCCTTGCCTCTGTCACAGCCTCGCTCAAGGAGCACCCCCGGGGCACCCTCCTGTCC[G>T]ATGGCAGCCCGGCCCTGTCCAGGAATGTCGGTATGACGGTCTCTCAGAAAGGGGGTCCCC-3'
Protein context (NP_001354752.1, residues 326-346): KEHPRGTLLS[Asp336Tyr]GSPALSRNVG